The following is an entry in ClinVar:

ClinVar aggregate classification (germline): Uncertain significance (1 of 4 stars; one submission).

Conditions:
Cardiovascular phenotype. Identifiers: MedGen CN230736.

Submission:

Ambry Genetics
Classification: Uncertain significance for Cardiovascular phenotype. Last evaluated: 2024-01-11. Review status: criteria provided, single submitter. Criteria: Ambry Variant Classification Scheme 2023. Collection method: clinical testing. Allele origin: germline.
Comment: The p.Q1058H variant (also known as c.3174A>C), located in coding exon 15 of the DSG2 gene, results from an A to C substitution at nucleotide position 3174. The glutamine at codon 1058 is replaced by histidine, an amino acid with highly similar properties. This amino acid position is conserved. In addition, this alteration is predicted to be tolerated by in silico analysis. Since supporting evidence is limited at this time, the clinical significance of this alteration remains unclear.

NM_001943.5(DSG2):c.3174A>C (p.Gln1058His)

Genes: DSG2-AS1 (DSG2 antisense RNA 1; minus strand), DSG2 (desmoglein 2; plus strand). Cytogenetic location: 18q12.1.
Variant type: single nucleotide variant.
Coding change: c.3174A>C on transcript NM_001943.5 (MANE Select); coding-DNA position 3174, A replaced by C.
Protein change: p.Gln1058His; replaces glutamine 1058 with histidine.
Molecular consequence: missense variant.
Genome position (GRCh38, 1-based): chr18:31,546,560, A>C. VCF-style: chr18-31546560-A-C. GRCh37 (hg19) VCF-style: chr18-29126523-A-C.
Other names: short protein forms Q1058H.
Identifiers: ClinVar variation 3221943 (VCV003221943.1), dbSNP rs2073312645, ClinGen allele CA402148791.